The following is an entry in ClinVar:

NM_015100.4(POGZ):c.3832_3834delinsCAT (p.Lys1278His)

Gene: POGZ (pogo transposable element derived with ZNF domain; minus strand). Cytogenetic location: 1q21.3.
Variant type: Indel.
Coding change: c.3832_3834delinsCAT on transcript NM_015100.4 (MANE Select); coding-DNA positions 3832 to 3834, AAA replaced by CAT.
Protein change: p.Lys1278His; replaces lysine 1278 with histidine.
Molecular consequence: missense variant.
Genome position (GRCh38, 1-based): chr1:151,405,201-151,405,203, TTT replaced by ATG on the plus strand (AAA replaced by CAT on the coding strand, the reverse complement: POGZ is on the minus strand). VCF-style: chr1-151405201-TTT-ATG. GRCh37 (hg19) VCF-style: chr1-151377677-TTT-ATG.
Other names: c.3805_3807delinsCAT, p.Lys1269His (NM_001194937.2); c.3646_3648delinsCAT, p.Lys1216His (NM_001194938.2); c.3853_3855delinsCAT, p.Lys1285His (NM_001410860.1); c.3547_3549delinsCAT, p.Lys1183His (NM_145796.4); c.3673_3675delinsCAT, p.Lys1225His (NM_207171.2); short protein forms K1183H, K1216H, K1225H, K1269H, K1278H, K1285H.
Identifiers: ClinVar variation 2504460 (VCV002504460.1), dbSNP rs2529196034, ClinGen allele CA2580611485.

ClinVar aggregate classification (germline): Uncertain significance (1 of 4 stars; one submission).

Submission:

GeneDx
Classification: Uncertain significance. Last evaluated: 2022-11-28. Review status: criteria provided, single submitter. Criteria: GeneDx Variant Classification Process June 2021. Collection method: clinical testing. Allele origin: germline. Affected: yes.
Comment: Not observed at significant frequency in large population cohorts (gnomAD); In silico analysis supports a deleterious effect on protein structure/function; Has not been previously published as pathogenic or benign to our knowledge